The following is an entry in ClinVar:

NM_003737.4(DCHS1):c.683A>G (p.Tyr228Cys)

Gene: DCHS1 (dachsous cadherin-related 1; minus strand). Cytogenetic location: 11p15.4.
Variant type: single nucleotide variant.
Coding change: c.683A>G on transcript NM_003737.4 (MANE Select); coding-DNA position 683, A replaced by G.
Protein change: p.Tyr228Cys; replaces tyrosine 228 with cysteine.
Molecular consequence: missense variant.
Genome position (GRCh38, 1-based): chr11:6,640,931, T>C on the plus strand (A>G on the coding strand, the complement: DCHS1 is on the minus strand). VCF-style: chr11-6640931-T-C. GRCh37 (hg19) VCF-style: chr11-6662162-T-C.
Other names: short protein forms Y228C.
Identifiers: ClinVar variation 2251979 (VCV002251979.5), dbSNP rs146693870, ClinGen allele CA5861111.

ClinVar aggregate classification (germline): Uncertain significance. Review status: criteria provided, multiple submitters, no conflicts (2 of 4 stars). 2 submissions from 2 submitters: Uncertain significance (2). Last evaluated 2026-01-07.

Conditions:
Inborn genetic diseases. Identifiers: MedGen C0950123, MeSH D030342.

Allele frequency attached by ClinVar (database versions not stated): ExAC 0.00002; TOPMed 0.00001; gnomAD 0.00002; ESP Exome Variant Server 0.00008.
gnomAD v4.1: 41 of 1,613,908 alleles (0.0025%); highest among the groups gnomAD compares: Non-Finnish European, 0.0031%; no homozygotes.

Submissions (2):

Labcorp Genetics (formerly Invitae), Labcorp
Classification: Uncertain significance. Last evaluated: 2026-01-07. Review status: criteria provided, single submitter. Criteria: Invitae Variant Classification Sherloc (09022015). Collection method: clinical testing. Allele origin: germline.
Comment: This sequence change replaces tyrosine, which is neutral and polar, with cysteine, which is neutral and slightly polar, at codon 228 of the DCHS1 protein (p.Tyr228Cys). This variant is present in population databases (rs146693870, gnomAD 0.007%). This variant has not been reported in the literature in individuals affected with DCHS1-related conditions. ClinVar contains an entry for this variant (Variation ID: 2251979). Invitae Evidence Modeling of protein sequence and biophysical properties (such as structural, functional, and spatial information, amino acid conservation, physicochemical variation, residue mobility, and thermodynamic stability) indicates that this missense variant is not expected to disrupt DCHS1 protein function with a negative predictive value of 95%. In summary, the available evidence is currently insufficient to determine the role of this variant in disease. Therefore, it has been classified as a Variant of Uncertain Significance.

Ambry Genetics
Classification: Uncertain significance for Inborn genetic diseases. Last evaluated: 2021-09-17. Review status: criteria provided, single submitter. Criteria: Ambry Variant Classification Scheme 2023. Collection method: clinical testing. Allele origin: germline.